The following is an entry in ClinVar:

ClinVar aggregate classification (germline): Likely benign. Review status: criteria provided, multiple submitters, no conflicts (2 of 4 stars). 3 submissions from 3 submitters: Likely benign (2). 1 of the submissions does not count toward it. Last evaluated 2026-04-01.

Conditions:
RAI1-related disorder. Also called: RAI1-related condition.

Allele frequency attached by ClinVar (database versions not stated): ExAC 0.00003; TOPMed 0.00005.

Submissions (3):

CeGaT Center for Human Genetics Tuebingen
Classification: Likely benign. Last evaluated: 2026-04-01. Review status: criteria provided, single submitter. Criteria: CeGaT Center For Human Genetics Tuebingen Variant Classification Criteria Version 2. Collection method: clinical testing. Allele origin: germline. Affected: yes. Observed: 1 variant allele.
Comment: RAI1: BP4, BP7

Labcorp Genetics (formerly Invitae), Labcorp
Classification: Likely benign. Last evaluated: 2025-09-02. Review status: criteria provided, single submitter. Criteria: Invitae Variant Classification Sherloc (09022015). Collection method: clinical testing. Allele origin: germline.

PreventionGenetics, part of Exact Sciences
Classification: Likely benign for RAI1-related condition. Last evaluated: 2021-12-10. Review status: no assertion criteria provided. Collection method: clinical testing. Allele origin: germline. Not counted in ClinVar's aggregate classification.
Comment: This variant is classified as likely benign based on ACMG/AMP sequence variant interpretation guidelines (Richards et al. 2015 PMID: 25741868, with internal and published modifications).

NM_030665.4(RAI1):c.393G>A (p.Pro131=)

Gene: RAI1 (retinoic acid induced 1; plus strand). Cytogenetic location: 17p11.2.
Variant type: single nucleotide variant.
Coding change: c.393G>A on transcript NM_030665.4 (MANE Select); coding-DNA position 393, G replaced by A.
Protein change: p.Pro131=; no amino-acid change (proline 131 retained).
Molecular consequence: synonymous variant.
Genome position (GRCh38, 1-based): chr17:17,793,341, G>A. VCF-style: chr17-17793341-G-A. GRCh37 (hg19) VCF-style: chr17-17696655-G-A.
Other names: c.393G>A (NM_030665.3).
Identifiers: ClinVar variation 1588258 (VCV001588258.12), dbSNP rs769206474, ClinGen allele CA8418115.